The following is an entry in ClinVar:

ClinVar aggregate classification (germline): Uncertain significance. Review status: criteria provided, single submitter (1 of 4 stars). 2 submissions from 2 submitters: Uncertain significance (1). 1 of the submissions does not count toward it. Last evaluated 2024-05-22.

Conditions:
Autosomal dominant polycystic kidney disease. Identifiers: Orphanet 730, MedGen C0085413, MONDO:0004691.
Autosomal dominant polycystic liver disease. Also called: Congenital cystic disease of liver; Polycystic liver disease. Identifiers: Orphanet 2924, MedGen C0158683, MONDO:0000447, HP:0006557.

Allele frequency attached by ClinVar (database versions not stated): gnomAD exomes below 0.00001.
gnomAD v4.1: 2 of 1,613,802 alleles (0.00012%); highest among the groups gnomAD compares: Non-Finnish European, 0.00017%; no homozygotes.

Submissions (2):

Labcorp Genetics (formerly Invitae), Labcorp
Classification: Uncertain significance for Autosomal dominant polycystic kidney disease. Last evaluated: 2024-05-22. Review status: criteria provided, single submitter. Criteria: Invitae Variant Classification Sherloc (09022015). Collection method: clinical testing. Allele origin: germline.
Comment: This sequence change replaces threonine, which is neutral and polar, with isoleucine, which is neutral and non-polar, at codon 402 of the PKD2 protein (p.Thr402Ile). This variant is not present in population databases (gnomAD no frequency). This variant has not been reported in the literature in individuals affected with PKD2-related conditions. ClinVar contains an entry for this variant (Variation ID: 1255687). Advanced modeling of protein sequence and biophysical properties (such as structural, functional, and spatial information, amino acid conservation, physicochemical variation, residue mobility, and thermodynamic stability) performed at Invitae indicates that this missense variant is expected to disrupt PKD2 protein function with a positive predictive value of 80%. In summary, the available evidence is currently insufficient to determine the role of this variant in disease. Therefore, it has been classified as a Variant of Uncertain Significance.

Laboratory of Gastroenterology and Hepatology, Radboud University Medical Center
Classification: Uncertain significance for Autosomal dominant polycystic liver disease. Last evaluated: 2021-09-01. Review status: no assertion criteria provided. Collection method: research. Allele origin: germline. Affected: yes. Not counted in ClinVar's aggregate classification.

NM_000297.4(PKD2):c.1205C>T (p.Thr402Ile)

Gene: PKD2 (polycystin 2, transient receptor potential cation channel; plus strand). Cytogenetic location: 4q22.1.
Variant type: single nucleotide variant.
Coding change: c.1205C>T on transcript NM_000297.4 (MANE Select); coding-DNA position 1205, C replaced by T.
Protein change: p.Thr402Ile; replaces threonine 402 with isoleucine.
Molecular consequence: missense variant. On other transcripts: non-coding transcript variant (1).
Genome position (GRCh38, 1-based): chr4:88,043,343, C>T. VCF-style: chr4-88043343-C-T. GRCh37 (hg19) VCF-style: chr4-88964495-C-T.
Other names: short protein forms T402I.
Identifiers: ClinVar variation 1255687 (VCV001255687.4), dbSNP rs2110112190, ClinGen allele CA357615730.
Genomic context (GRCh38, chr4:88,043,343, plus strand): 5'-TCATTGCAACTTATAGTGGAGCTGGCTATTATCTGGATTTGTCAAGAACAAGAGAGGAAA[C>T]AGCTGCACAAGTTGCTAGCCTCAAGAAAAATGTCTGGCTGGACCGAGGAACCAGGGCAAC-3'
Protein context (NP_000288.1, residues 392-412): YLDLSRTREE[Thr402Ile]AAQVASLKKN